The following is an entry in ClinVar:

NM_025132.4(WDR19):c.1070G>A (p.Cys357Tyr)

Gene: WDR19 (WD repeat domain 19; plus strand). Cytogenetic location: 4p14.
Variant type: single nucleotide variant.
Coding change: c.1070G>A on transcript NM_025132.4 (MANE Select); coding-DNA position 1070, G replaced by A.
Protein change: p.Cys357Tyr; replaces cysteine 357 with tyrosine.
Molecular consequence: missense variant.
Genome position (GRCh38, 1-based): chr4:39,215,949, G>A. VCF-style: chr4-39215949-G-A. GRCh37 (hg19) VCF-style: chr4-39217569-G-A.
Other names: c.590G>A, p.Cys197Tyr (NM_001317924.2); short protein forms C197Y, C357Y.
Identifiers: ClinVar variation 1717696 (VCV001717696.3), dbSNP rs2475127845, ClinGen allele CA356629982.

ClinVar aggregate classification (germline): Uncertain significance (1 of 4 stars; one submission).

Conditions:
Senior-Loken syndrome 8 (SLSN8). Identifiers: Orphanet 3156, MedGen C4225376, MONDO:0014579, OMIM 616307.
Asphyxiating thoracic dystrophy 5 (SRTD5). Also called: SHORT-RIB THORACIC DYSPLASIA 5 WITH OR WITHOUT POLYDACTYLY; SHORT-RIB THORACIC DYSPLASIA 5 WITHOUT POLYDACTYLY. Identifiers: Orphanet 474, MedGen C3280598, MONDO:0013717, OMIM 614376.

Allele frequency attached by ClinVar (database versions not stated): gnomAD exomes below 0.00001.
gnomAD v4.1: 1 of 1,613,414 alleles (0.000062%); highest among the groups gnomAD compares: African/African-American, 0.0013%; no homozygotes.

Submission:

Labcorp Genetics (formerly Invitae), Labcorp
Classification: Uncertain significance for Senior-Loken syndrome 8; Asphyxiating thoracic dystrophy 5. Last evaluated: 2022-08-22. Review status: criteria provided, single submitter. Criteria: Invitae Variant Classification Sherloc (09022015). Collection method: clinical testing. Allele origin: germline.
Comment: This sequence change replaces cysteine, which is neutral and slightly polar, with tyrosine, which is neutral and polar, at codon 357 of the WDR19 protein (p.Cys357Tyr). This variant is not present in population databases (gnomAD no frequency). This variant has not been reported in the literature in individuals affected with WDR19-related conditions. Algorithms developed to predict the effect of missense changes on protein structure and function (SIFT, PolyPhen-2, Align-GVGD) all suggest that this variant is likely to be tolerated. In summary, the available evidence is currently insufficient to determine the role of this variant in disease. Therefore, it has been classified as a Variant of Uncertain Significance.